The following is an entry in ClinVar:

ClinVar aggregate classification (germline): Uncertain significance (1 of 4 stars; one submission).

Conditions:
Cataract 10 multiple types. Also called: CATARACT 10, CONGENITAL ZONULAR, WITH SUTURAL OPACITIES. Identifiers: Orphanet 91492, MedGen C1833229, MONDO:0010948, OMIM 600881.

Allele frequency attached by ClinVar (database versions not stated): gnomAD exomes below 0.00001; TOPMed below 0.00001; gnomAD 0.00001.
gnomAD v4.1: 20 of 1,614,060 alleles (0.0012%); highest among the groups gnomAD compares: Non-Finnish European, 0.0016%; no homozygotes.

Submission:

Labcorp Genetics (formerly Invitae), Labcorp
Classification: Uncertain significance for Cataract 10 multiple types. Last evaluated: 2020-07-21. Review status: criteria provided, single submitter. Criteria: Invitae Variant Classification Sherloc (09022015). Collection method: clinical testing. Allele origin: germline.
Comment: In summary, the available evidence is currently insufficient to determine the role of this variant in disease. Therefore, it has been classified as a Variant of Uncertain Significance. Algorithms developed to predict the effect of missense changes on protein structure and function are either unavailable or do not agree on the potential impact of this missense change (SIFT: "Deleterious"; PolyPhen-2: "Possibly Damaging"; Align-GVGD: "Class C0"). This variant has not been reported in the literature in individuals with CRYBA1-related conditions. This variant is not present in population databases (ExAC no frequency). This sequence change replaces asparagine with lysine at codon 155 of the CRYBA1 protein (p.Asn155Lys). The asparagine residue is highly conserved and there is a moderate physicochemical difference between asparagine and lysine.

NM_005208.5(CRYBA1):c.465C>A (p.Asn155Lys)

Gene: CRYBA1 (crystallin beta A1; plus strand). Cytogenetic location: 17q11.2.
Variant type: single nucleotide variant.
Coding change: c.465C>A on transcript NM_005208.5 (MANE Select); coding-DNA position 465, C replaced by A.
Protein change: p.Asn155Lys; replaces asparagine 155 with lysine.
Molecular consequence: missense variant.
Genome position (GRCh38, 1-based): chr17:29,253,747, C>A. VCF-style: chr17-29253747-C-A. GRCh37 (hg19) VCF-style: chr17-27580765-C-A.
Other names: short protein forms N155K.
Identifiers: ClinVar variation 1025844 (VCV001025844.5), dbSNP rs1380012052, ClinGen allele CA398477141.